The following is an entry in ClinVar:

ClinVar aggregate classification (germline): Uncertain significance (1 of 4 stars; one submission).

Submission:

Labcorp Genetics (formerly Invitae), Labcorp
Classification: Uncertain significance. Last evaluated: 2020-02-02. Review status: criteria provided, single submitter. Criteria: Invitae Variant Classification Sherloc (09022015). Collection method: clinical testing. Allele origin: germline.
Comment: In summary, the available evidence is currently insufficient to determine the role of this variant in disease. Therefore, it has been classified as a Variant of Uncertain Significance. This sequence change affects the initiator methionine of the GNPTG mRNA. The next in-frame methionine is located at codon 27. The frequency data for this variant in the population databases is considered unreliable, as metrics indicate insufficient coverage at this position in the ExAC database. This variant has not been reported in the literature in individuals with GNPTG-related conditions. Experimental studies and prediction algorithms are not available or were not evaluated, and the functional significance of this variant is currently unknown.

NM_032520.5(GNPTG):c.-2_9del (p.Met1fs)

Genes: GNPTG (N-acetylglucosamine-1-phosphate transferase subunit gamma; plus strand), LOC130058158 (ATAC-STARR-seq lymphoblastoid silent region 6972; plus strand). Cytogenetic location: 16p13.3.
Variant type: Deletion.
Coding change: c.-2_9del on transcript NM_032520.5 (MANE Select); 2 bases upstream of the start codon through coding-DNA position 9, 11 bases deleted (CGATGGCGGCG).
Protein change: p.Met1fs; shifts the reading frame from methionine 1.
Molecular consequence: frameshift variant, initiator codon variant.
Genome position (GRCh38, 1-based): chr16:1,351,964-1,351,974, CGATGGCGGCG deleted; deleting any 11 consecutive bases within chr16:1,351,958-1,351,974 gives the same sequence; the c. name uses the placement nearest the transcript's 3' end. VCF-style (leftmost placement, unchanged base first): chr16-1351957-TGCGGCGCGATG-T. GRCh37 (hg19) VCF-style: chr16-1401958-TGCGGCGCGATG-T.
Other names: short protein forms M1fs.
Identifiers: ClinVar variation 1043186 (VCV001043186.9), dbSNP rs2034690003, ClinGen allele CA2201592060.